The following is an entry in ClinVar:

NM_005188.4(CBL):c.2484G>A (p.Pro828=)

Gene: CBL (Cbl proto-oncogene; plus strand). Cytogenetic location: 11q23.3.
Variant type: single nucleotide variant.
Coding change: c.2484G>A on transcript NM_005188.4 (MANE Select); coding-DNA position 2484, G replaced by A.
Protein change: p.Pro828=; no amino-acid change (proline 828 retained).
Molecular consequence: synonymous variant.
Genome position (GRCh38, 1-based): chr11:119,299,544, G>A. VCF-style: chr11-119299544-G-A. GRCh37 (hg19) VCF-style: chr11-119170254-G-A.
Other names: p.P828P; p.P828P:CCG>CCA.
Identifiers: ClinVar variation 40424 (VCV000040424.55), dbSNP rs149533467, ClinGen allele CA181181.

ClinVar aggregate classification (germline): Conflicting classifications of pathogenicity. Review status: criteria provided, conflicting classifications (1 of 4 stars). 12 submissions from 12 submitters: Uncertain significance (1); Benign (9); Likely benign (2). Last evaluated 2026-05-01.

Conditions:
CBL-related disorder. Also called: NOONAN SYNDROME-LIKE DISORDER WITHOUT JUVENILE MYELOMONOCYTIC LEUKEMIA; CBL MUTATION-ASSOCIATED SYNDROME; CBL SYNDROME. Identifiers: Orphanet 363972, MedGen C3150803, MONDO:0013308, OMIM 613563.
Noonan syndrome and Noonan-related syndrome. Identifiers: Orphanet 98733, MedGen C5681679, MONDO:0020297.
Cardiovascular phenotype. Identifiers: MedGen CN230736.
RASopathy. Also called: rasopathies; Noonan spectrum disorder. Identifiers: Orphanet 536391, MedGen C5555857, MONDO:0021060.
Juvenile myelomonocytic leukemia (JMML). Also called: LEUKEMIA, JUVENILE MYELOMONOCYTIC, SOMATIC. Identifiers: Orphanet 86834, MedGen C0349639, MONDO:0011908, OMIM 607785, HP:0012209.

Allele frequency attached by ClinVar (database versions not stated): gnomAD exomes 0.00017 and 0.00040; ExAC 0.00045; 1000 Genomes Project 0.00100; 1000 Genomes Project 30x 0.00125; gnomAD 0.00149 and 0.00166; ESP Exome Variant Server 0.00169; TOPMed 0.00188.
gnomAD v4.1: 490 of 1,614,068 alleles (0.03%); highest among the groups gnomAD compares: African/African-American, 0.58%; no homozygotes.

Submissions (12):

CeGaT Center for Human Genetics Tuebingen
Classification: Likely benign. Last evaluated: 2026-05-01. Review status: criteria provided, single submitter. Criteria: CeGaT Center For Human Genetics Tuebingen Variant Classification Criteria Version 2. Collection method: clinical testing. Allele origin: germline. Affected: yes. Observed: 4 variant alleles.
Comment: CBL: BP4, BP7

Labcorp Genetics (formerly Invitae), Labcorp
Classification: Benign for RASopathy. Last evaluated: 2026-01-28. Review status: criteria provided, single submitter. Criteria: Invitae Variant Classification Sherloc (09022015). Collection method: clinical testing. Allele origin: germline.

Blueprint Genetics
Classification: Likely benign. Last evaluated: 2024-11-13. Review status: criteria provided, single submitter. Criteria: ACMG Guidelines, 2015. Collection method: clinical testing. Allele origin: germline.

ARUP Laboratories, Molecular Genetics and Genomics, ARUP Laboratories
Classification: Benign. Last evaluated: 2024-06-26. Review status: criteria provided, single submitter. Criteria: ARUP Molecular Germline Variant Investigation Process 2024. Collection method: clinical testing. Allele origin: germline.

KCCC/NGS Laboratory, Kuwait Cancer Control Center
Classification: Benign for Juvenile myelomonocytic leukemia. Last evaluated: 2023-07-07. Review status: criteria provided, single submitter. Criteria: ACMG Guidelines, 2015. Collection method: clinical testing. Allele origin: germline. Affected: yes.

Ambry Genetics
Classification: Benign for Cardiovascular phenotype. Last evaluated: 2020-01-06. Review status: criteria provided, single submitter. Criteria: Ambry Variant Classification Scheme 2023. Collection method: clinical testing. Allele origin: germline.

Genetic Services Laboratory, University of Chicago
Classification: Benign. Last evaluated: 2019-12-26. Review status: criteria provided, single submitter. Criteria: ACMG Guidelines, 2015. Collection method: clinical testing. Allele origin: germline. Affected: no.

Women's Health and Genetics/Laboratory Corporation of America, LabCorp
Classification: Benign. Last evaluated: 2019-09-24. Review status: criteria provided, single submitter. Criteria: LabCorp Variant Classification Summary - May 2015. Collection method: clinical testing. Allele origin: germline.

Illumina Laboratory Services, Illumina
Classification: Benign for CBL-related disorder. Last evaluated: 2018-01-12. Review status: criteria provided, single submitter. Criteria: ICSL Variant Classification Criteria 13 December 2019. Collection method: clinical testing. Allele origin: germline.
Comment: This variant was observed in the ICSL laboratory as part of a predisposition screen in an ostensibly healthy population. It had not been previously curated by ICSL or reported in the Human Gene Mutation Database (HGMD: prior to June 1st, 2018), and was therefore a candidate for classification through an automated scoring system. Utilizing variant allele frequency, disease prevalence and penetrance estimates, and inheritance mode, an automated score was calculated to assess if this variant is too frequent to cause the disease. Based on the score and internal cut-off values, a variant classified as benign is not then subjected to further curation. The score for this variant resulted in a classification of benign for this disease.

Genome Diagnostics Laboratory, The Hospital for Sick Children
Classification: Uncertain significance for Noonan syndrome and Noonan-related syndrome. Last evaluated: 2016-12-12. Review status: criteria provided, single submitter. Criteria: ACMG Guidelines, 2015. Collection method: clinical testing. Allele origin: germline.

GeneDx
Classification: Benign. Last evaluated: 2013-01-21. Review status: criteria provided, single submitter. Criteria: GeneDx Variant Classification (06012015). Collection method: clinical testing. Allele origin: germline. Affected: yes.
Comment: This variant is considered likely benign or benign based on one or more of the following criteria: it is a conservative change, it occurs at a poorly conserved position in the protein, it is predicted to be benign by multiple in silico algorithms, and/or has population frequency not consistent with disease.

Laboratory for Molecular Medicine, Mass General Brigham Personalized Medicine
Classification: Benign. Last evaluated: 2012-03-19. Review status: criteria provided, single submitter. Criteria: LMM Criteria. Collection method: clinical testing. Allele origin: germline. Observed: 1 variant allele.
Comment: p.Pro828Pro in Exon 16 of CBL: This variant is not expected to have clinical sig nificance because it does not alter an amino acid residue, is not located within the splice consensus sequence and has been identified in 0.5% (20/3738) of Afri can American chromosomes from a broad population by the NHLBI Exome Sequencing P roject (dbSNP rs149533467).

Literature cited by the submitters: PubMed 25224413 (cited by Women's Health and Genetics/Laboratory Corporation of America, LabCorp); PubMed 21828135 (cited by Women's Health and Genetics/Laboratory Corporation of America, LabCorp); PubMed 23690417 (cited by Women's Health and Genetics/Laboratory Corporation of America, LabCorp); PubMed 19387008 (cited by Women's Health and Genetics/Laboratory Corporation of America, LabCorp); PubMed 19901108 (cited by Women's Health and Genetics/Laboratory Corporation of America, LabCorp); PubMed 20951944 (cited by Women's Health and Genetics/Laboratory Corporation of America, LabCorp); PubMed 19620960 (cited by Women's Health and Genetics/Laboratory Corporation of America, LabCorp); PubMed 22733026 (cited by Women's Health and Genetics/Laboratory Corporation of America, LabCorp); PubMed 29296819 (cited by Women's Health and Genetics/Laboratory Corporation of America, LabCorp); PubMed 27069254 (cited by Women's Health and Genetics/Laboratory Corporation of America, LabCorp).